The following is an entry in ClinVar:

ClinVar aggregate classification (germline): Pathogenic (1 of 4 stars; one submission).

Conditions:
Microcephaly, normal intelligence and immunodeficiency (NBS). Also called: Microcephaly with normal intelligence immunodeficiency and lymphoreticular malignancies; Nonsyndromal microcephaly autosomal recessive with normal intelligence; Seemanova syndrome 2; SEEMANOVA SYNDROME II; BERLIN BREAKAGE SYNDROME; Immunodeficiency, microcephaly with normal intelligence. Identifiers: Orphanet 647, MedGen C0398791, MONDO:0009623, OMIM 251260.

Submission:

Labcorp Genetics (formerly Invitae), Labcorp
Classification: Pathogenic for Microcephaly, normal intelligence and immunodeficiency. Last evaluated: 2021-12-07. Review status: criteria provided, single submitter. Criteria: Invitae Variant Classification Sherloc (09022015). Collection method: clinical testing. Allele origin: germline.
Comment: This sequence change creates a premature translational stop signal (p.Asp519Thrfs*10) in the NBN gene. It is expected to result in an absent or disrupted protein product. Loss-of-function variants in NBN are known to be pathogenic (PMID: 9590180, 16415040). This variant is not present in population databases (gnomAD no frequency). This variant has not been reported in the literature in individuals affected with NBN-related conditions. ClinVar contains an entry for this variant (Variation ID: 1071046). For these reasons, this variant has been classified as Pathogenic.

Literature cited by the submitters: PubMed 9590180; PubMed 16415040.

NM_002485.5(NBN):c.1554del (p.Asp519fs)

Gene: NBN (nibrin; minus strand). Cytogenetic location: 8q21.3.
Variant type: Deletion.
Coding change: c.1554del on transcript NM_002485.5 (MANE Select); coding-DNA position 1554, one base deleted (A; older notation c.1554delA).
Protein change: p.Asp519fs; shifts the reading frame from aspartic acid 519.
Molecular consequence: frameshift variant.
Genome position (GRCh38, 1-based): chr8:89,953,535, T deleted on the plus strand (A on the coding strand, the reverse complement: NBN is on the minus strand). VCF-style (leftmost placement, unchanged base first): chr8-89953534-CT-C. GRCh37 (hg19) VCF-style: chr8-90965762-CT-C.
Other names: c.1308del, p.Asp437fs (NM_001024688.3); short protein forms D437fs, D519fs.
Identifiers: ClinVar variation 1071046 (VCV001071046.7), dbSNP rs2129701175, ClinGen allele CA2499219418.